The following is an entry in ClinVar:

ClinVar aggregate classification (germline): Uncertain significance (1 of 4 stars; one submission).

Submission:

Labcorp Genetics (formerly Invitae), Labcorp
Classification: Uncertain significance. Last evaluated: 2023-06-14. Review status: criteria provided, single submitter. Criteria: Invitae Variant Classification Sherloc (09022015). Collection method: clinical testing. Allele origin: germline.
Comment: This variant has not been reported in the literature in individuals affected with KIF2A-related conditions. In summary, the available evidence is currently insufficient to determine the role of this variant in disease. Therefore, it has been classified as a Variant of Uncertain Significance. An algorithm developed to predict the effect of missense changes on protein structure and function (PolyPhen-2) suggests that this variant is likely to be disruptive. This variant is not present in population databases (gnomAD no frequency). This sequence change replaces alanine, which is neutral and non-polar, with threonine, which is neutral and polar, at codon 506 of the KIF2A protein (p.Ala506Thr).

NM_001098511.3(KIF2A):c.1516G>A (p.Ala506Thr)

Gene: KIF2A (kinesin family member 2A; plus strand). Cytogenetic location: 5q12.1.
Variant type: single nucleotide variant.
Coding change: c.1516G>A on transcript NM_001098511.3 (MANE Select); coding-DNA position 1516, G replaced by A.
Protein change: p.Ala506Thr; replaces alanine 506 with threonine.
Molecular consequence: missense variant.
Genome position (GRCh38, 1-based): chr5:62,365,291, G>A. VCF-style: chr5-62365291-G-A. GRCh37 (hg19) VCF-style: chr5-61661118-G-A.
Other names: c.1435G>A, p.Ala479Thr (NM_001243952.2); c.1459G>A, p.Ala487Thr (NM_001243953.2); c.1516G>A, p.Ala506Thr (NM_004520.5); short protein forms A479T, A487T, A506T.
Identifiers: ClinVar variation 2714852 (VCV002714852.3), dbSNP rs2531362021, ClinGen allele CA359951787.